The following is an entry in ClinVar:

ClinVar aggregate classification (germline): Likely benign. Review status: criteria provided, multiple submitters, no conflicts (2 of 4 stars). 2 submissions from 2 submitters: Likely benign (2). Last evaluated 2025-07-29.

Conditions:
NTRK2-related disorder. Also called: NTRK2-related condition.

Allele frequency attached by ClinVar (database versions not stated): TOPMed below 0.00001.
gnomAD v4.1: 21 of 1,613,036 alleles (0.0013%); highest among the groups gnomAD compares: South Asian, 0.012%; no homozygotes.

Submissions (2):

PreventionGenetics, part of Exact Sciences
Classification: Likely benign for NTRK2-related condition. Last evaluated: 2025-07-29. Review status: criteria provided, single submitter. Criteria: ACMG Guidelines, 2015. Collection method: clinical testing. Allele origin: germline.
Comment: This variant is classified as likely benign based on ACMG/AMP sequence variant interpretation guidelines (Richards et al. 2015 PMID: 25741868, with internal and published modifications).

Labcorp Genetics (formerly Invitae), Labcorp
Classification: Likely benign. Last evaluated: 2024-09-15. Review status: criteria provided, single submitter. Criteria: Invitae Variant Classification Sherloc (09022015). Collection method: clinical testing. Allele origin: germline.

NM_006180.6(NTRK2):c.138C>T (p.Ser46=)

Gene: NTRK2 (neurotrophic receptor tyrosine kinase 2; plus strand). Cytogenetic location: 9q21.33.
Variant type: single nucleotide variant.
Coding change: c.138C>T on transcript NM_006180.6 (MANE Select); coding-DNA position 138, C replaced by T.
Protein change: p.Ser46=; no amino-acid change (serine 46 retained).
Molecular consequence: synonymous variant.
Genome position (GRCh38, 1-based): chr9:84,670,886, C>T. VCF-style: chr9-84670886-C-T. GRCh37 (hg19) VCF-style: chr9-87285801-C-T.
Other names: c.138C>T (NM_006180.4); c.138C>T, p.Ser46= (NM_001007097.3, NM_001018064.3, NM_001018065.2 and 19 more transcripts).
Identifiers: ClinVar variation 1923636 (VCV001923636.6), dbSNP rs376605075, ClinGen allele CA5105411.